The following is an entry in ClinVar:

ClinVar aggregate classification (germline): Uncertain significance. Review status: criteria provided, multiple submitters, no conflicts (2 of 4 stars). 5 submissions from 5 submitters: Uncertain significance (5). Last evaluated 2024-10-13.

Conditions:
Familial thoracic aortic aneurysm and aortic dissection (TAAD). Also called: Thoracic aortic aneurysms and dissections. Identifiers: Orphanet 91387, MedGen C4707243, MONDO:0019625.
Aortic aneurysm, familial thoracic 4 (AAT4). Also called: AORTIC ANEURYSM/AORTIC DISSECTION AND PATENT DUCTUS ARTERIOSUS. Identifiers: MedGen C1851504, MONDO:0007568, OMIM 132900.

Allele frequency attached by ClinVar (database versions not stated): gnomAD below 0.00001 and 0.00001; gnomAD exomes 0.00001; TOPMed 0.00001; ExAC 0.00002.
gnomAD v4.1: 14 of 1,614,066 alleles (0.00087%); highest among the groups gnomAD compares: South Asian, 0.0088%; no homozygotes.

Submissions (5):

Labcorp Genetics (formerly Invitae), Labcorp
Classification: Uncertain significance for Aortic aneurysm, familial thoracic 4. Last evaluated: 2024-10-13. Review status: criteria provided, single submitter. Criteria: Invitae Variant Classification Sherloc (09022015). Collection method: clinical testing. Allele origin: germline.
Comment: This sequence change replaces aspartic acid, which is acidic and polar, with asparagine, which is neutral and polar, at codon 517 of the MYH11 protein (p.Asp517Asn). This variant is present in population databases (rs112553563, gnomAD 0.01%). This variant has not been reported in the literature in individuals affected with MYH11-related conditions. ClinVar contains an entry for this variant (Variation ID: 201109). Invitae Evidence Modeling of protein sequence and biophysical properties (such as structural, functional, and spatial information, amino acid conservation, physicochemical variation, residue mobility, and thermodynamic stability) indicates that this missense variant is not expected to disrupt MYH11 protein function with a negative predictive value of 95%. In summary, the available evidence is currently insufficient to determine the role of this variant in disease. Therefore, it has been classified as a Variant of Uncertain Significance.

GeneDx
Classification: Uncertain significance. Last evaluated: 2024-04-03. Review status: criteria provided, single submitter. Criteria: GeneDx Variant Classification Process June 2021. Collection method: clinical testing. Allele origin: germline. Affected: yes.
Comment: Has not been previously published as pathogenic or benign to our knowledge; Not observed at significant frequency in large population cohorts (gnomAD); In silico analysis supports that this missense variant has a deleterious effect on protein structure/function

Color Diagnostics, LLC DBA Color Health
Classification: Uncertain significance for Familial thoracic aortic aneurysm and aortic dissection. Last evaluated: 2024-03-06. Review status: criteria provided, single submitter. Criteria: ACMG Guidelines, 2015. Collection method: clinical testing. Allele origin: germline.
Comment: This missense variant replaces aspartic acid with asparagine at codon 517 of the MYH11 protein. Computational prediction suggests that this variant may have deleterious impact on protein structure and function (internally defined REVEL score threshold >= 0.7, PMID: 27666373). To our knowledge, functional studies have not been reported for this variant. This variant has not been reported in individuals affected with cardiovascular disorders in the literature. This variant has been identified in 3/251448 chromosomes in the general population by the Genome Aggregation Database (gnomAD). The available evidence is insufficient to determine the role of this variant in disease conclusively. Therefore, this variant is classified as a Variant of Uncertain Significance.

All of Us Research Program, National Institutes of Health
Classification: Uncertain significance for Familial thoracic aortic aneurysm and aortic dissection. Last evaluated: 2024-01-11. Review status: criteria provided, single submitter. Criteria: ACMG Guidelines, 2015. Collection method: clinical testing. Allele origin: germline. Inheritance: Autosomal dominant inheritance. Observed: 1 variant allele, 1 heterozygote.
Comment: This missense variant replaces aspartic acid with asparagine at codon 517 of the MYH11 protein. Computational prediction suggests that this variant may have deleterious impact on protein structure and function (internally defined REVEL score threshold >= 0.7, PMID: 27666373). To our knowledge, functional studies have not been reported for this variant. This variant has not been reported in individuals affected with cardiovascular disorders in the literature. This variant has been identified in 3/251448 chromosomes in the general population by the Genome Aggregation Database (gnomAD). The available evidence is insufficient to determine the role of this variant in disease conclusively. Therefore, this variant is classified as a Variant of Uncertain Significance.

This study involves interpretation of variants in research participants for the purpose of population health screening. Participant phenotype was not available at the time of variant classification. Additional details can be found in publication PMID: 35346344, PMCID: PMC8962531

Ambry Genetics
Classification: Uncertain significance for Familial thoracic aortic aneurysm and aortic dissection. Last evaluated: 2022-06-19. Review status: criteria provided, single submitter. Criteria: Ambry Variant Classification Scheme 2023. Collection method: clinical testing. Allele origin: germline.
Comment: The p.D510N variant (also known as c.1528G>A), located in coding exon 12 of the MYH11 gene, results from a G to A substitution at nucleotide position 1528. The aspartic acid at codon 510 is replaced by asparagine, an amino acid with highly similar properties. This amino acid position is conserved. In addition, the in silico prediction for this alteration is inconclusive. Since supporting evidence is limited at this time, the clinical significance of this alteration remains unclear.

NM_002474.3(MYH11):c.1528G>A (p.Asp510Asn)

Gene: MYH11 (myosin heavy chain 11; minus strand). Cytogenetic location: 16p13.11.
Variant type: single nucleotide variant.
Coding change: c.1528G>A on transcript NM_002474.3 (MANE Select); coding-DNA position 1528, G replaced by A.
Protein change: p.Asp510Asn; replaces aspartic acid 510 with asparagine.
Molecular consequence: missense variant.
Genome position (GRCh38, 1-based): chr16:15,757,874, C>T on the plus strand (G>A on the coding strand, the complement: MYH11 is on the minus strand). VCF-style: chr16-15757874-C-T. GRCh37 (hg19) VCF-style: chr16-15851731-C-T.
Other names: p.D510N:GAC>AAC; c.1549G>A, p.Asp517Asn (NM_001040113.2, NM_001040114.2); c.1528G>A, p.Asp510Asn (NM_022844.3); short protein forms D510N, D517N.
Identifiers: ClinVar variation 201109 (VCV000201109.13), dbSNP rs112553563, ClinGen allele CA306668.